The following is an entry in ClinVar:

NM_001009999.3(KDM1A):c.329C>G (p.Thr110Ser)

Gene: KDM1A (lysine demethylase 1A; plus strand). Cytogenetic location: 1p36.12.
Variant type: single nucleotide variant.
Coding change: c.329C>G on transcript NM_001009999.3 (MANE Select); coding-DNA position 329, C replaced by G.
Protein change: p.Thr110Ser; replaces threonine 110 with serine.
Molecular consequence: missense variant.
Genome position (GRCh38, 1-based): chr1:23,019,925, C>G. VCF-style: chr1-23019925-C-G. GRCh37 (hg19) VCF-style: chr1-23346418-C-G.
Other names: c.329C>G, p.Thr110Ser (NM_001363654.2, NM_001410762.1, NM_001410763.1 and 1 more transcripts); short protein forms T110S.
Identifiers: ClinVar variation 4858728 (VCV004858728.1).

ClinVar aggregate classification (germline): Uncertain significance (1 of 4 stars; one submission).

Conditions:
Inborn genetic diseases. Identifiers: MedGen C0950123, MeSH D030342.

Submission:

Ambry Genetics
Classification: Uncertain significance for Inborn genetic diseases. Last evaluated: 2026-04-30. Review status: criteria provided, single submitter. Criteria: Ambry Variant Classification Scheme 2023. Collection method: clinical testing. Allele origin: germline.
Comment: The p.T110S variant (also known as c.329C>G), located in coding exon 1 of the KDM1A gene, results from a C to G substitution at nucleotide position 329. The threonine at codon 110 is replaced by serine, an amino acid with similar properties. This amino acid position is conserved. In addition, this alteration is predicted to be tolerated by in silico analysis. Based on the available evidence, the clinical significance of this variant remains unclear.